The following is an entry in ClinVar:

NM_173660.5(DOK7):c.1263dup (p.Ser422fs)

Gene: DOK7 (docking protein 7; plus strand). Cytogenetic location: 4p16.3.
Variant type: Duplication.
Coding change: c.1263dup on transcript NM_173660.5 (MANE Select); coding-DNA position 1263, one base duplicated (C; older notation c.1263dupC).
Protein change: p.Ser422fs; shifts the reading frame from serine 422.
Molecular consequence: frameshift variant. On other transcripts: 3 prime UTR variant (1).
Genome position (GRCh38, 1-based): chr4:3,493,249, C duplicated; the last of 7 consecutive C bases (chr4:3,493,243-3,493,249); duplicating any one gives the same sequence. VCF-style (leftmost placement, unchanged base first): chr4-3493242-G-GC. GRCh37 (hg19) VCF-style: chr4-3494969-G-GC.
Other names: p.Ser422Leufs*97; c.*484dup (NM_001164673.2); c.333dup, p.Ser112fs (NM_001256896.2); c.1263dup, p.Ser422fs (NM_001301071.2); c.831dup, p.Ser278fs (NM_001363811.2); c.1263dup (NM_173660.4); c.1263dupC (NM_173660.5); short protein forms S112fs, S422fs, S278fs.
Identifiers: ClinVar variation 1274 (VCV000001274.39), dbSNP rs606231129, ClinGen allele CA251734.
Genomic context (GRCh38, chr4:3,493,242, plus strand): 5'-CCTCCCTGCGGGCCCACTATGACACACCACGCAGCCTTTGCCTGGCTCCTAGAGACCACA[G>GC]CCCCCCCTCACAGGGCAGCCCCGGCAACAGTGCGGCCAGGGACTCAGGCGGCCAGACGTC-3'

ClinVar aggregate classification (germline): Pathogenic/Likely pathogenic. Review status: criteria provided, multiple submitters, no conflicts (2 of 4 stars). 16 submissions from 15 submitters: Pathogenic (10); Likely pathogenic (2). 4 of the submissions do not count toward it. Last evaluated 2026-02-05.

Conditions:
DOK7-related disorder. Also called: DOK7-related condition.
Fetal akinesia deformation sequence 3. Identifiers: MedGen C4760599, MONDO:0100103, OMIM 618389.
Congenital myasthenic syndrome 10. Also called: Myasthenia, limb-girdle, familial. Identifiers: Orphanet 590, MedGen C1850792, MONDO:0009690, OMIM 254300.
Fetal akinesia deformation sequence 1 (FADS1). Also called: Pena-Shokeir syndrome type I; Fetal akinesia sequence. Identifiers: Orphanet 994, MedGen C1276035, MONDO:0100101, OMIM 208150, HP:0001989.
Congenital myasthenic syndrome (CMS). Also called: Congenital Myasthenic Syndromes. Identifiers: Orphanet 590, MedGen C0751882, MeSH D020294, MONDO:0018940.
Rett syndrome (RTT). Also called: AUTISM, DEMENTIA, ATAXIA, AND LOSS OF PURPOSEFUL HAND USE; Rett's disorder. Identifiers: Orphanet 3095, Orphanet 778, MedGen C0035372, MONDO:0010726, OMIM 312750.

Submissions (16):

Clinical Genetics and Genomics, Karolinska University Hospital
Classification: Pathogenic for Congenital myasthenic syndrome 10. Last evaluated: 2026-02-05. Review status: criteria provided, single submitter. Criteria: ACMG Guidelines, 2015. Collection method: clinical testing. Allele origin: germline. Inheritance: Autosomal recessive inheritance. Affected: yes.

Labcorp Genetics (formerly Invitae), Labcorp
Classification: Pathogenic for Congenital myasthenic syndrome 10; Fetal akinesia deformation sequence 1. Last evaluated: 2026-01-11. Review status: criteria provided, single submitter. Criteria: Invitae Variant Classification Sherloc (09022015). Collection method: clinical testing. Allele origin: germline.
Comment: This sequence change is expected to alter the c-terminus of the DOK7 protein (p.Ser422Leufs*97). While this is not anticipated to result in nonsense mediated decay, it is expected to disrupt the last 83 amino acid(s) of the DOK7 protein and extend the protein by 13 additional amino acid residues. This variant is present in population databases (rs751257124, gnomAD 0.02%). This frameshift has been observed in individual(s) with congenital myasthenic syndrome and fetal akinesia deformation sequence (PMID: 16917026, 21850686, 22661499). In at least one individual the data is consistent with being in trans (on the opposite chromosome) from a pathogenic variant. ClinVar contains an entry for this variant (Variation ID: 1274). For these reasons, this variant has been classified as Pathogenic.

CeGaT Center for Human Genetics Tuebingen
Classification: Pathogenic. Last evaluated: 2025-11-01. Review status: criteria provided, single submitter. Criteria: CeGaT Center For Human Genetics Tuebingen Variant Classification Criteria Version 2. Collection method: clinical testing. Allele origin: germline. Affected: yes. Observed: 1 variant allele.
Comment: DOK7: PM3:Very Strong, PVS1:Strong, PM2

Fulgent Genetics
Classification: Pathogenic for Congenital myasthenic syndrome 10; Fetal akinesia deformation sequence 3. Last evaluated: 2024-05-31. Review status: criteria provided, single submitter. Criteria: ACMG Guidelines, 2015. Collection method: clinical testing. Allele origin: germline.

Baylor Genetics
Classification: Pathogenic for Fetal akinesia deformation sequence 3. Last evaluated: 2024-03-27. Review status: criteria provided, single submitter. Criteria: ACMG Guidelines, 2015. Collection method: clinical testing. Allele origin: unknown.

GeneDx
Classification: Likely pathogenic. Last evaluated: 2024-03-07. Review status: criteria provided, single submitter. Criteria: GeneDx Variant Classification Process June 2021. Collection method: clinical testing. Allele origin: germline. Affected: yes.
Comment: Identified with a second DOK7 variant without confirmation of phase in patients with congenital myasthenic syndromes (PMID: 16917026, 37273706, 22661499, 18626973); Frameshift variant predicted to result in protein truncation, as the last 83 amino acids are replaced with 96 different amino acids, and other loss-of-function variants have been reported downstream in HGMD; This variant is associated with the following publications: (PMID: 31589614, 21850686, 18161030, 32153140, 31880392, 33726816, 16917026, 37273706, 22661499, 18626973)

Mayo Clinic Laboratories, Mayo Clinic
Classification: Pathogenic. Last evaluated: 2024-03-06. Review status: criteria provided, single submitter. Criteria: ACMG Guidelines, 2015. Collection method: clinical testing. Allele origin: germline. Observed: 5 variant alleles.
Comment: PM2_moderate, PM3_very_strong, PS4

Revvity Omics, Revvity
Classification: Pathogenic. Last evaluated: 2024-01-11. Review status: criteria provided, single submitter. Criteria: ACMG Guidelines, 2015. Collection method: clinical testing. Allele origin: germline.

Women's Health and Genetics/Laboratory Corporation of America, LabCorp
Classification: Pathogenic for Congenital myasthenic syndrome. Last evaluated: 2020-02-28. Review status: criteria provided, single submitter. Criteria: LabCorp Variant Classification Summary - May 2015. Collection method: clinical testing. Allele origin: germline.
Comment: Variant summary: DOK7 c.1263dupC (p.Ser422LeufsX97) causes a frameshift which results in an extension of the protein. The variant allele was found at a frequency of 7.6e-05 in 237478 control chromosomes (gnomAD). This frequency is not higher than expected for a pathogenic variant in DOK7 causing Congenital myasthenic syndrome (7.6e-05 vs 0.0014), allowing no conclusion about variant significance. c.1263dupC has been reported in the literature in compound heterozygous and homozygous individuals affected with Congenital myasthenic syndrome (Selcen_2008, Anderson_2008). These data indicate that the variant is very likely to be associated with disease. Two ClinVar submitters (evaluation after 2014) cite the variant as pathogenic. Based on the evidence outlined above, the variant was classified as pathogenic.

Institute of Human Genetics Munich, TUM University Hospital
Classification: Pathogenic for Congenital myasthenic syndrome 10. Last evaluated: 2019-06-11. Review status: criteria provided, single submitter. Criteria: Classification criteria August 2017. Collection method: clinical testing. Allele origin: inherited. Inheritance: Autosomal recessive inheritance. Affected: yes. Observed: 1 homozygote.

Mendelics
Classification: Pathogenic for Fetal akinesia deformation sequence 1. Last evaluated: 2019-05-28. Review status: criteria provided, single submitter. Criteria: Mendelics Assertion Criteria 2017. Collection method: clinical testing. Allele origin: unknown.

Kasturba Medical College, Manipal, Kasturba Medical College, Manipal, Manipal Academy of Higher Education, Manipal, India
Classification: Likely pathogenic for Rett syndrome. Review status: criteria provided, single submitter. Criteria: ACMG Guidelines, 2015. Collection method: research. Allele origin: inherited. Inheritance: Autosomal recessive inheritance. Affected: yes.

PreventionGenetics, part of Exact Sciences
Classification: Pathogenic for DOK7-related condition. Last evaluated: 2023-12-11. Review status: no assertion criteria provided. Collection method: clinical testing. Allele origin: germline. Not counted in ClinVar's aggregate classification.
Comment: The DOK7 c.1263dupC variant is predicted to result in a frameshift and premature protein termination (p.Ser422Leufs*97). This variant has been reported in individuals with autosomal recessive congenital myasthenic syndrome (Beeson et al. 2006. PubMed ID: 16917026; Anderson et al. 2008. PubMed ID: 18161030; Cossins et al. 2012. PubMed ID: 22661499). It has also been reported in the homozygous state in a case of fetal akinesia deformation sequence (Table 1, Bruno et al. 2011. PubMed ID: 21850686). This variant is reported in 0.017% of alleles in individuals of African descent in gnomAD. Frameshift variants in DOK7 are expected to be pathogenic. This variant is interpreted as pathogenic.

Solve-RD Consortium
Classification: Likely pathogenic for Fetal akinesia deformation sequence 3. Last evaluated: 2022-06-01. Review status: no assertion criteria provided. Collection method: provider interpretation. Allele origin: inherited. Affected: yes. Not counted in ClinVar's aggregate classification.
Comment: Variant confirmed as disease-causing by referring clinical team

Variant identified during reanalysis of unsolved cases by the Solve-RD project. The Solve-RD project has received funding from the European Union’s Horizon 2020 research and innovation programme under grant agreement No 779257.

OMIM
Classification: Pathogenic for MYASTHENIC SYNDROME, CONGENITAL, 10. Last evaluated: 2006-09-29. Review status: no assertion criteria provided. Collection method: literature only. Allele origin: germline. Not counted in ClinVar's aggregate classification.

OMIM
Classification: Pathogenic for FETAL AKINESIA DEFORMATION SEQUENCE 3. Last evaluated: 2006-09-29. Review status: no assertion criteria provided. Collection method: literature only. Allele origin: germline. Not counted in ClinVar's aggregate classification.

Literature cited by the submitters: PubMed 16917026 (cited by 3 submitters); PubMed 21850686 (cited by Labcorp Genetics (formerly Invitae), Labcorp and Mayo Clinic Laboratories, Mayo Clinic); PubMed 22661499 (cited by Labcorp Genetics (formerly Invitae), Labcorp and Mayo Clinic Laboratories, Mayo Clinic); PubMed 18161030 (cited by Mayo Clinic Laboratories, Mayo Clinic and Women's Health and Genetics/Laboratory Corporation of America, LabCorp); PubMed 18626973 (cited by Mayo Clinic Laboratories, Mayo Clinic and Women's Health and Genetics/Laboratory Corporation of America, LabCorp); PubMed 31589614 (cited by Mayo Clinic Laboratories, Mayo Clinic); PubMed 31880392 (cited by Mayo Clinic Laboratories, Mayo Clinic and OMIM); PubMed 32153140 (cited by Mayo Clinic Laboratories, Mayo Clinic); PubMed 37273706 (cited by Mayo Clinic Laboratories, Mayo Clinic); PubMed 37721175 (cited by Mayo Clinic Laboratories, Mayo Clinic); PubMed 39825153 (cited by Solve-RD Consortium).